The following is an entry in ClinVar:

ClinVar aggregate classification (germline): Pathogenic/Likely pathogenic. Review status: criteria provided, multiple submitters, no conflicts (2 of 4 stars). 3 submissions from 3 submitters: Pathogenic (2); Likely pathogenic (1). Last evaluated 2023-10-04.

Conditions:
Cerebral arteriopathy, autosomal dominant, with subcortical infarcts and leukoencephalopathy, type 2 (CADASIL2). Identifiers: MedGen C4225211, MONDO:0014768, OMIM 616779.
Cerebral arteriopathy, autosomal recessive, with subcortical infarcts and leukoencephalopathy 2. Also called: CARASIL syndrome; Cerebral autosomal recessive arteriopathy with subcortical infarcts and leukoencephalopathy; CEREBROVASCULAR DISEASE WITH THIN SKIN, ALOPECIA, AND DISC DISEASE; MAEDA SYNDROME; SUBCORTICAL VASCULAR ENCEPHALOPATHY, PROGRESSIVE. Identifiers: Orphanet 199354, MedGen C6022615, MONDO:0010829, OMIM 600142.

Allele frequency attached by ClinVar (database versions not stated): gnomAD exomes below 0.00001.
gnomAD v4.1: 1 of 1,613,818 alleles (0.000062%); highest among the groups gnomAD compares: Non-Finnish European, 0.000085%; no homozygotes.

Submissions (3):

Labcorp Genetics (formerly Invitae), Labcorp
Classification: Pathogenic. Last evaluated: 2023-10-04. Review status: criteria provided, single submitter. Criteria: Invitae Variant Classification Sherloc (09022015). Collection method: clinical testing. Allele origin: germline.
Comment: This sequence change replaces arginine, which is basic and polar, with glutamine, which is neutral and polar, at codon 302 of the HTRA1 protein (p.Arg302Gln). This variant is not present in population databases (gnomAD no frequency). This missense change has been observed in individuals with clinical features of autosomal dominant HTRA1-related conditions (PMID: 27164673, 29561953). It has also been observed to segregate with disease in related individuals. ClinVar contains an entry for this variant (Variation ID: 1332825). Advanced modeling of protein sequence and biophysical properties (such as structural, functional, and spatial information, amino acid conservation, physicochemical variation, residue mobility, and thermodynamic stability) performed at Invitae indicates that this missense variant is expected to disrupt HTRA1 protein function. Experimental studies have shown that this missense change affects HTRA1 function (PMID: 27164673). For these reasons, this variant has been classified as Pathogenic.

3billion
Classification: Pathogenic for Cerebral arteriopathy, autosomal dominant, with subcortical infarcts and leukoencephalopathy, type 2. Last evaluated: 2022-01-03. Review status: criteria provided, single submitter. Criteria: ACMG Guidelines, 2015. Collection method: clinical testing. Allele origin: germline. Affected: yes. Observed: 1 heterozygote.
Comment: The variant was co-segregated with Cerebral arteriopathy, autosomal dominant, with subcortical infarcts and leukoencephalopathy, type 2 in multiple affected family members (PMID: 27164673, 29561953, PP1_P). The variant has been observed in multiple (>3) similarly affected unrelated individuals(PMID: 27164673, 29561953, 34220097, PS4_S). Functional studies provide strong evidence of the variant having a damaging effect on the gene or gene product (PMID: 27164673, , PS3_S). In silico tool predictions suggest damaging effect of the variant on gene or gene product (REVEL: 0.926, PP3_P). A missense variant is a common mechanism associated with Cerebral arteriopathy (PP2_P). It is not observed in the gnomAD v2.1.1 dataset (PM2_M). Therefore, this variant is classified as pathogenic according to the recommendation of ACMG/AMP guideline.

Kasturba Medical College, Manipal, Kasturba Medical College, Manipal, Manipal Academy of Higher Education, Manipal, India
Classification: Likely pathogenic for Cerebral arteriopathy, autosomal recessive, with subcortical infarcts and leukoencephalopathy 2. Review status: criteria provided, single submitter. Criteria: ACMG Guidelines, 2015. Collection method: research. Allele origin: inherited. Affected: yes.

Literature cited by the submitters: PubMed 27164673 (cited by Labcorp Genetics (formerly Invitae), Labcorp and 3billion); PubMed 29561953 (cited by Labcorp Genetics (formerly Invitae), Labcorp and 3billion); PubMed 34220097 (cited by 3billion).

NM_002775.5(HTRA1):c.905G>A (p.Arg302Gln)

Gene: HTRA1 (HtrA serine peptidase 1; plus strand). Cytogenetic location: 10q26.13.
Variant type: single nucleotide variant.
Coding change: c.905G>A on transcript NM_002775.5 (MANE Select); coding-DNA position 905, G replaced by A.
Protein change: p.Arg302Gln; replaces arginine 302 with glutamine.
Molecular consequence: missense variant.
Genome position (GRCh38, 1-based): chr10:122,506,818, G>A. VCF-style: chr10-122506818-G-A. GRCh37 (hg19) VCF-style: chr10-124266334-G-A.
Other names: short protein forms R302Q.
Identifiers: ClinVar variation 1332825 (VCV001332825.8), dbSNP rs2133449474, ClinGen allele CA378585732.